The following is an entry in ClinVar:

NM_004817.4(TJP2):c.819C>T (p.Ala273=)

Gene: TJP2 (tight junction protein 2; plus strand). Cytogenetic location: 9q21.11.
Variant type: single nucleotide variant.
Coding change: c.819C>T on transcript NM_004817.4 (MANE Select); coding-DNA position 819, C replaced by T.
Protein change: p.Ala273=; no amino-acid change (alanine 273 retained).
Molecular consequence: synonymous variant.
Genome position (GRCh38, 1-based): chr9:69,221,363, C>T. VCF-style: chr9-69221363-C-T. GRCh37 (hg19) VCF-style: chr9-71836279-C-T.
Other names: c.750C>T, p.Ala250= (NM_001170414.2, NM_001369870.1, NM_001369871.1); c.831C>T, p.Ala277= (NM_001170415.1, NM_001369874.1, NM_001369875.1); c.912C>T, p.Ala304= (NM_001170416.2); c.819C>T, p.Ala273= (NM_001369872.1, NM_001369873.1, NM_201629.3).
Identifiers: ClinVar variation 3047992 (VCV003047992.2), dbSNP rs2538451605, ClinGen allele CA465241042.
Genomic context (GRCh38, chr9:69,221,363, plus strand): 5'-TCACCGGGCCTACGACCCAGACTACGAGCGGGCCTACAGCCCGGAGTACAGGCGCGGGGC[C>T]CGCCACGATGCCCGCTCTCGGGGACCCCGAAGCCGCAGCCGCGAGCACCCGCACTCACGG-3'
Protein context (NP_004808.2, residues 263-283): RAYSPEYRRG[Ala273=]RHDARSRGPR

ClinVar aggregate classification (germline): Likely benign (0 of 4 stars; one submission).

Conditions:
TJP2-related disorder. Also called: TJP2-related condition.

Allele frequency attached by ClinVar (database versions not stated): gnomAD exomes below 0.00001.
gnomAD v4.1: 1 of 1,584,934 alleles (0.000063%); highest among the groups gnomAD compares: Non-Finnish European, 0.000086%; no homozygotes.

Submission:

PreventionGenetics, part of Exact Sciences
Classification: Likely benign for TJP2-related condition. Last evaluated: 2023-07-25. Review status: no assertion criteria provided. Collection method: clinical testing. Allele origin: germline.
Comment: This variant is classified as likely benign based on ACMG/AMP sequence variant interpretation guidelines (Richards et al. 2015 PMID: 25741868, with internal and published modifications).